The following is an entry in ClinVar:

NM_020366.4(RPGRIP1):c.3448G>C (p.Asp1150His)

Gene: RPGRIP1 (RPGR interacting protein 1; plus strand). Cytogenetic location: 14q11.2.
Variant type: single nucleotide variant.
Coding change: c.3448G>C on transcript NM_020366.4 (MANE Select); coding-DNA position 3448, G replaced by C.
Protein change: p.Asp1150His; replaces aspartic acid 1150 with histidine.
Molecular consequence: missense variant.
Genome position (GRCh38, 1-based): chr14:21,343,144, G>C. VCF-style: chr14-21343144-G-C. GRCh37 (hg19) VCF-style: chr14-21811303-G-C.
Other names: c.1426G>C, p.Asp476His (NM_001377523.1, NM_001377950.1); c.2374G>C, p.Asp792His (NM_001377948.1); c.1534G>C, p.Asp512His (NM_001377949.1); c.931G>C, p.Asp311His (NM_001377951.1); short protein forms D1150H, D792H, D311H, D476H, D512H.
Identifiers: ClinVar variation 2090301 (VCV002090301.1), dbSNP rs144704092, ClinGen allele CA388857140.
Genomic context (GRCh38, chr14:21,343,144, plus strand): 5'-GAGGCAGAAGTGATGTCTGATGAGAACATAAAACAGGTGTATGTGGAGTACAAATTCTAC[G>C]ACCTACCCTTGTCGGAGACAGAGACTCCAGTGTCCCTAAGGAAGCCTAGGGCAGGAGAAG-3'
Protein context (NP_065099.3, residues 1140-1160): KQVYVEYKFY[Asp1150His]LPLSETETPV

ClinVar aggregate classification (germline): Uncertain significance (1 of 4 stars; one submission).

Conditions:
Leber congenital amaurosis 6 (LCA6). Identifiers: Orphanet 65, MedGen C1854260, MONDO:0013446, OMIM 613826.
Cone-rod dystrophy 13 (CORD13). Identifiers: Orphanet 1872, MedGen C2750720, MONDO:0011987, OMIM 608194.

Submission:

Labcorp Genetics (formerly Invitae), Labcorp
Classification: Uncertain significance for Leber congenital amaurosis 6; Cone-rod dystrophy 13. Last evaluated: 2022-07-26. Review status: criteria provided, single submitter. Criteria: Invitae Variant Classification Sherloc (09022015). Collection method: clinical testing. Allele origin: germline.
Comment: This sequence change replaces aspartic acid, which is acidic and polar, with histidine, which is basic and polar, at codon 1150 of the RPGRIP1 protein (p.Asp1150His). This variant is not present in population databases (gnomAD no frequency). This variant has not been reported in the literature in individuals affected with RPGRIP1-related conditions. Algorithms developed to predict the effect of missense changes on protein structure and function are either unavailable or do not agree on the potential impact of this missense change (SIFT: "Tolerated"; PolyPhen-2: "Probably Damaging"; Align-GVGD: "Class C0"). In summary, the available evidence is currently insufficient to determine the role of this variant in disease. Therefore, it has been classified as a Variant of Uncertain Significance.